The following is an entry in ClinVar:

NM_152327.5(AK7):c.1565G>A (p.Cys522Tyr)

Gene: AK7 (adenylate kinase 7; plus strand). Cytogenetic location: 14q32.2.
Variant type: single nucleotide variant.
Coding change: c.1565G>A on transcript NM_152327.5 (MANE Select); coding-DNA position 1565, G replaced by A.
Protein change: p.Cys522Tyr; replaces cysteine 522 with tyrosine.
Molecular consequence: missense variant.
Genome position (GRCh38, 1-based): chr14:96,478,474, G>A. VCF-style: chr14-96478474-G-A. GRCh37 (hg19) VCF-style: chr14-96944811-G-A.
Other names: c.1496G>A, p.Cys499Tyr (NM_001350888.2, NM_001350890.2); c.1487G>A, p.Cys496Tyr (NM_001350891.2); c.1367G>A, p.Cys456Tyr (NM_001350892.2); short protein forms C456Y, C522Y, C496Y, C499Y.
Identifiers: ClinVar variation 1442214 (VCV001442214.6), dbSNP rs1204967512, ClinGen allele CA390922610.

ClinVar aggregate classification (germline): Uncertain significance (1 of 4 stars; one submission).

Allele frequency attached by ClinVar (database versions not stated): gnomAD exomes below 0.00001.
gnomAD v4.1: 1 of 1,614,138 alleles (0.000062%); highest among the groups gnomAD compares: Non-Finnish European, 0.000085%; no homozygotes.

Submission:

Labcorp Genetics (formerly Invitae), Labcorp
Classification: Uncertain significance. Last evaluated: 2024-04-25. Review status: criteria provided, single submitter. Criteria: Invitae Variant Classification Sherloc (09022015). Collection method: clinical testing. Allele origin: germline.
Comment: This sequence change replaces cysteine, which is neutral and slightly polar, with tyrosine, which is neutral and polar, at codon 522 of the AK7 protein (p.Cys522Tyr). This variant is present in population databases (no rsID available, gnomAD 0.0009%). This variant has not been reported in the literature in individuals affected with AK7-related conditions. ClinVar contains an entry for this variant (Variation ID: 1442214). Advanced modeling of protein sequence and biophysical properties (such as structural, functional, and spatial information, amino acid conservation, physicochemical variation, residue mobility, and thermodynamic stability) performed at Invitae indicates that this missense variant is not expected to disrupt AK7 protein function with a negative predictive value of 80%. In summary, the available evidence is currently insufficient to determine the role of this variant in disease. Therefore, it has been classified as a Variant of Uncertain Significance.